The following is an entry in ClinVar:

ClinVar aggregate classification (germline): Conflicting classifications of pathogenicity. Review status: criteria provided, conflicting classifications (1 of 4 stars). 3 submissions from 3 submitters: Uncertain significance (1); Benign (1); Likely benign (1). Last evaluated 2026-08-01.

Allele frequency attached by ClinVar (database versions not stated): gnomAD exomes 0.00004 and 0.00016; 1000 Genomes Project 30x 0.00016; ExAC 0.00019; 1000 Genomes Project 0.00020; gnomAD 0.00046 and 0.00051; TOPMed 0.00054; ESP Exome Variant Server 0.00069.
gnomAD v4.1: 131 of 1,614,152 alleles (0.0081%); highest among the groups gnomAD compares: African/African-American, 0.15%; no homozygotes.

Submissions (3):

CeGaT Center for Human Genetics Tuebingen
Classification: Likely benign. Last evaluated: 2026-08-01. Review status: criteria provided, single submitter. Criteria: CeGaT Center For Human Genetics Tuebingen Variant Classification Criteria Version 2. Collection method: clinical testing. Allele origin: germline. Affected: yes. Observed: 2 variant alleles.
Comment: SPTBN2: BP4, BP7

Labcorp Genetics (formerly Invitae), Labcorp
Classification: Benign. Last evaluated: 2024-03-07. Review status: criteria provided, single submitter. Criteria: Invitae Variant Classification Sherloc (09022015). Collection method: clinical testing. Allele origin: germline.

Eurofins Ntd Llc (ga)
Classification: Uncertain significance. Last evaluated: 2017-01-25. Review status: criteria provided, single submitter. Criteria: EGL Classification Definitions 2015. Collection method: clinical testing. Allele origin: germline. Observed: 1 variant allele, 1 heterozygote.

NM_006946.4(SPTBN2):c.24A>G (p.Thr8=)

Gene: SPTBN2 (spectrin beta, non-erythrocytic 2; minus strand). Cytogenetic location: 11q13.2.
Variant type: single nucleotide variant.
Coding change: c.24A>G on transcript NM_006946.4 (MANE Select); coding-DNA position 24, A replaced by G.
Protein change: p.Thr8=; no amino-acid change (threonine 8 retained).
Molecular consequence: synonymous variant.
Genome position (GRCh38, 1-based): chr11:66,721,217, T>C on the plus strand (A>G on the coding strand, the complement: SPTBN2 is on the minus strand). VCF-style: chr11-66721217-T-C. GRCh37 (hg19) VCF-style: chr11-66488688-T-C.
Identifiers: ClinVar variation 499725 (VCV000499725.14), dbSNP rs141277535, ClinGen allele CA6129783.